The following is an entry in ClinVar:

NM_018341.3(ERMARD):c.721G>A (p.Glu241Lys)

Gene: ERMARD (ER membrane associated RNA degradation; plus strand). Cytogenetic location: 6q27.
Variant type: single nucleotide variant.
Coding change: c.721G>A on transcript NM_018341.3 (MANE Select); coding-DNA position 721, G replaced by A.
Protein change: p.Glu241Lys; replaces glutamic acid 241 with lysine.
Molecular consequence: missense variant.
Genome position (GRCh38, 1-based): chr6:169,759,953, G>A. VCF-style: chr6-169759953-G-A. GRCh37 (hg19) VCF-style: chr6-170160049-G-A.
Other names: c.721G>A, p.Glu241Lys (NM_001278531.2, NM_001278533.2); c.343G>A, p.Glu115Lys (NM_001278532.2, NM_001410957.1); short protein forms E115K, E241K.
Identifiers: ClinVar variation 3702679 (VCV003702679.2).
Genomic context (GRCh38, chr6:169,759,953, plus strand): 5'-TACCTTCAAAACACTAAACTTACATTGGCACATCGCTCTTTCATATCTCTTACAAACCTC[G>A]AGGATTTGATTGTTTTTCCTGGTAAGTACTATGTTTCACATTTTTCCTTATAGCTTTGCG-3'
Protein context (NP_060811.1, residues 231-251): HRSFISLTNL[Glu241Lys]DLIVFPDVTY

ClinVar aggregate classification (germline): Uncertain significance (1 of 4 stars; one submission).

Submission:

Labcorp Genetics (formerly Invitae), Labcorp
Classification: Uncertain significance. Last evaluated: 2025-01-14. Review status: criteria provided, single submitter. Criteria: Invitae Variant Classification Sherloc (09022015). Collection method: clinical testing. Allele origin: germline.
Comment: This sequence change replaces glutamic acid, which is acidic and polar, with lysine, which is basic and polar, at codon 241 of the ERMARD protein (p.Glu241Lys). This variant is present in population databases (rs775923894, gnomAD 0.008%). This variant has not been reported in the literature in individuals affected with ERMARD-related conditions. Invitae Evidence Modeling of protein sequence and biophysical properties (such as structural, functional, and spatial information, amino acid conservation, physicochemical variation, residue mobility, and thermodynamic stability) indicates that this missense variant is not expected to disrupt ERMARD protein function with a negative predictive value of 80%. In summary, the available evidence is currently insufficient to determine the role of this variant in disease. Therefore, it has been classified as a Variant of Uncertain Significance.